The following is an entry in ClinVar:

NM_147127.5(EVC2):c.2053del (p.Glu685fs)

Gene: EVC2 (EvC ciliary complex subunit 2; minus strand). Cytogenetic location: 4p16.2.
Variant type: Deletion.
Coding change: c.2053del on transcript NM_147127.5 (MANE Select); coding-DNA position 2053, one base deleted (G; older notation c.2053delG).
Protein change: p.Glu685fs; shifts the reading frame from glutamic acid 685.
Molecular consequence: frameshift variant.
Genome position (GRCh38, 1-based): chr4:5,622,985, C deleted on the plus strand (G on the coding strand, the reverse complement: EVC2 is on the minus strand); the first of 3 consecutive C bases (chr4:5,622,985-5,622,987); deleting any one gives the same sequence. VCF-style (leftmost placement, unchanged base first): chr4-5622984-TC-T. GRCh37 (hg19) VCF-style: chr4-5624711-TC-T.
Other names: c.1813del, p.Glu605fs (NM_001166136.2); short protein forms E605fs, E685fs.
Identifiers: ClinVar variation 1725337 (VCV001725337.2), dbSNP rs2475376968, ClinGen allele CA2580070772.

ClinVar aggregate classification (germline): Likely pathogenic (1 of 4 stars; one submission).

Conditions:
Ellis-van Creveld syndrome (EVC). Also called: EVC-Related Ellis-van Creveld Syndrome; EVC2-Related Ellis-van Creveld Syndrome; MESOECTODERMAL DYSPLASIA; Chondroectodermal dysplasia. Identifiers: Orphanet 289, MedGen C0013903, MONDO:0009162, OMIM 225500.

Submission:

Myriad Genetics, Inc.
Classification: Likely pathogenic for Ellis-van Creveld syndrome. Last evaluated: 2022-03-17. Review status: criteria provided, single submitter. Criteria: Myriad Women's Health Autosomal Recessive and X-Linked Classification Criteria (2021). Collection method: clinical testing. Allele origin: unknown.
Comment: NM_147127.4(EVC2):c.2053delG(E685Sfs*29) is expected to be pathogenic in the context of EVC2-related Ellis-van Creveld syndrome. This variant is predicted to lead to an abnormal or absent protein product due to the creation of a premature termination codon in EVC2, a gene where loss-of-function variants are known to be pathogenic. Please note: this variant was assessed in the context of healthy population screening.